The following is an entry in ClinVar:

NM_080680.3(COL11A2):c.1589C>T (p.Pro530Leu)

Gene: COL11A2 (collagen type XI alpha 2 chain; minus strand). Cytogenetic location: 6p21.32.
Variant type: single nucleotide variant.
Coding change: c.1589C>T on transcript NM_080680.3 (MANE Select); coding-DNA position 1589, C replaced by T.
Protein change: p.Pro530Leu; replaces proline 530 with leucine.
Molecular consequence: missense variant.
Genome position (GRCh38, 1-based): chr6:33,179,095, G>A on the plus strand (C>T on the coding strand, the complement: COL11A2 is on the minus strand). VCF-style: chr6-33179095-G-A. GRCh37 (hg19) VCF-style: chr6-33146872-G-A.
Other names: c.1268C>T, p.Pro423Leu (NM_080679.3); c.1331C>T, p.Pro444Leu (NM_080681.3); short protein forms P423L, P444L, P530L.
Identifiers: ClinVar variation 1714099 (VCV001714099.6), dbSNP rs2535237135, ClinGen allele CA363605347.
Genomic context (GRCh38, chr6:33,179,095, plus strand): 5'-GTCTCCCCACAACACCCATCCACCCCTGGGGCACTCACCCTTCGCCCAGCCTTGCCAGGA[G>A]GGCCTGTGAGGCCCTGAGGTCCTCTGGGGCCCTGGTGAGAGGAGAGATGGGGTGGGGTTA-3'
Protein context (NP_542411.2, residues 520-540): GPRGPQGLTG[Pro530Leu]PGKAGRRGRA

ClinVar aggregate classification (germline): Uncertain significance (1 of 4 stars; one submission).

Allele frequency attached by ClinVar (database versions not stated): gnomAD exomes below 0.00001.
gnomAD v4.1: 1 of 1,613,880 alleles (0.000062%); highest among the groups gnomAD compares: Non-Finnish European, 0.000085%; no homozygotes.

Submission:

Labcorp Genetics (formerly Invitae), Labcorp
Classification: Uncertain significance. Last evaluated: 2024-05-29. Review status: criteria provided, single submitter. Criteria: Invitae Variant Classification Sherloc (09022015). Collection method: clinical testing. Allele origin: germline.
Comment: This sequence change replaces proline, which is neutral and non-polar, with leucine, which is neutral and non-polar, at codon 530 of the COL11A2 protein (p.Pro530Leu). This variant is not present in population databases (gnomAD no frequency). This variant has not been reported in the literature in individuals affected with COL11A2-related conditions. ClinVar contains an entry for this variant (Variation ID: 1714099). Advanced modeling of protein sequence and biophysical properties (such as structural, functional, and spatial information, amino acid conservation, physicochemical variation, residue mobility, and thermodynamic stability) performed at Invitae indicates that this missense variant is not expected to disrupt COL11A2 protein function with a negative predictive value of 95%. In summary, the available evidence is currently insufficient to determine the role of this variant in disease. Therefore, it has been classified as a Variant of Uncertain Significance.